The following is an entry in ClinVar:

NM_144991.3(TSPEAR):c.42_51dup (p.His18fs)

Gene: TSPEAR (thrombospondin type laminin G domain and EAR repeats; minus strand). Cytogenetic location: 21q22.3.
Variant type: Duplication.
Coding change: c.42_51dup on transcript NM_144991.3 (MANE Select); coding-DNA positions 42 to 51, 10 bases duplicated (GGCCCCCGGC; older notation c.42_51dupGGCCCCCGGC).
Protein change: p.His18fs; shifts the reading frame from histidine 18.
Molecular consequence: frameshift variant. On other transcripts: 5 prime UTR variant (1).
Genome position (GRCh38, 1-based): chr21:44,711,464-44,711,473, GCCGGGGGCC duplicated on the plus strand (GGCCCCCGGC on the coding strand, the reverse complement: TSPEAR is on the minus strand); duplicating any 10 consecutive bases within chr21:44,711,464-44,711,476 gives the same sequence; the c. name uses the placement nearest the transcript's 3' end. VCF-style (leftmost placement, unchanged base first): chr21-44711463-G-GGCCGGGGGCC. GRCh37 (hg19) VCF-style: chr21-46131378-G-GGCCGGGGGCC.
Other names: c.-225_-216dup (NM_001272037.2); c.51_52insGGCCCCCGGC (NM_144991.3); short protein forms H18fs.
Identifiers: ClinVar variation 984376 (VCV000984376.6), dbSNP rs1467180870, ClinGen allele CA749722008.
Genomic context (GRCh38, chr21:44,711,463, plus strand): 5'-CCCGCCCGAGTTCCCATGCCCCTGCCTTACCTGTGCAGGGCTCCCAACCCTGCGTGCCGT[G>GGCCGGGGGCC]GCCGGGGGCCGCCAGGGGCAGCACAAAACACAGACTCAGCAGGGCAGACATGAGGGGCTT-3'

ClinVar aggregate classification (germline): Pathogenic. Review status: criteria provided, multiple submitters, no conflicts (2 of 4 stars). 3 submissions from 3 submitters: Pathogenic (2). 1 of the submissions does not count toward it. Last evaluated 2024-04-02.

Conditions:
Ectodermal dysplasia 14, hair/tooth type with or without hypohidrosis. Identifiers: Orphanet 685067, MedGen C4748560, MONDO:0032584, OMIM 618180.

Submissions (3):

Labcorp Genetics (formerly Invitae), Labcorp
Classification: Pathogenic. Last evaluated: 2024-04-02. Review status: criteria provided, single submitter. Criteria: Invitae Variant Classification Sherloc (09022015). Collection method: clinical testing. Allele origin: germline.
Comment: This sequence change creates a premature translational stop signal (p.His18Glyfs*28) in the TSPEAR gene. It is expected to result in an absent or disrupted protein product. Loss-of-function variants in TSPEAR are known to be pathogenic (PMID: 34042254). This variant is not present in population databases (gnomAD no frequency). This premature translational stop signal has been observed in individual(s) with TSPEAR-related conditions (PMID: 34556655). This variant is also known as c.51_52insGGCCCCCGGC,p.His18fs. ClinVar contains an entry for this variant (Variation ID: 984376). For these reasons, this variant has been classified as Pathogenic.

GeneDx
Classification: Pathogenic. Last evaluated: 2022-07-28. Review status: criteria provided, single submitter. Criteria: GeneDx Variant Classification Process June 2021. Collection method: clinical testing. Allele origin: germline. Affected: yes.
Comment: Frameshift variant predicted to result in protein truncation or nonsense mediated decay in a gene for which loss-of-function is a known mechanism of disease; Not observed at significant frequency in large population cohorts (gnomAD); This variant is associated with the following publications: (PMID: 34556655)

Shieh Lab, University of California, San Francisco
Classification: Pathogenic for ECTODERMAL DYSPLASIA 14, HAIR/TOOTH TYPE WITH OR WITHOUT HYPOHIDROSIS. Last evaluated: 2020-10-19. Review status: no assertion criteria provided. Collection method: research. Allele origin: germline. Affected: yes. Not counted in ClinVar's aggregate classification.

Literature cited by the submitters: PubMed 34042254 (cited by Labcorp Genetics (formerly Invitae), Labcorp); PubMed 34556655 (cited by Labcorp Genetics (formerly Invitae), Labcorp).